The following is an entry in ClinVar:

ClinVar aggregate classification (germline): Benign/Likely benign. Review status: criteria provided, multiple submitters, no conflicts (2 of 4 stars). 2 submissions from 2 submitters: Benign (1); Likely benign (1). Last evaluated 2024-12-10.

Conditions:
Lung cancer. Also called: Lung cancer, somatic; Malignant tumor of lung. Identifiers: MedGen C0242379, MONDO:0008903, OMIM 211980.
EGFR-related lung cancer (EGFR). Identifiers: MedGen CN130014.

gnomAD v4.1: 3 of 1,613,846 alleles (0.00019%); highest among the groups gnomAD compares: African/African-American, 0.004%; no homozygotes.

Submissions (2):

Labcorp Genetics (formerly Invitae), Labcorp
Classification: Likely benign for EGFR-related lung cancer. Last evaluated: 2024-12-10. Review status: criteria provided, single submitter. Criteria: Invitae Variant Classification Sherloc (09022015). Collection method: clinical testing. Allele origin: germline.

Myriad Genetics, Inc.
Classification: Benign for Lung cancer. Last evaluated: 2024-10-16. Review status: criteria provided, single submitter. Criteria: Myriad Autosomal Dominant, Autosomal Recessive and X-Linked Classification Criteria (2023). Collection method: clinical testing. Allele origin: unknown.
Comment: This variant is considered benign. This variant is a silent/synonymous amino acid change and it is not expected to impact splicing.

NM_005228.5(EGFR):c.2223C>A (p.Pro741=)

Gene: EGFR (epidermal growth factor receptor; plus strand). Cytogenetic location: 7p11.2.
Variant type: single nucleotide variant.
Coding change: c.2223C>A on transcript NM_005228.5 (MANE Select); coding-DNA position 2223, C replaced by A.
Protein change: p.Pro741=; no amino-acid change (proline 741 retained).
Molecular consequence: synonymous variant.
Genome position (GRCh38, 1-based): chr7:55,174,760, C>A. VCF-style: chr7-55174760-C-A. GRCh37 (hg19) VCF-style: chr7-55242453-C-A.
Other names: c.2088C>A, p.Pro696= (NM_001346897.2, NM_001346899.2); c.2223C>A, p.Pro741= (NM_001346898.2); c.2064C>A, p.Pro688= (NM_001346900.2); c.1422C>A, p.Pro474= (NM_001346941.2).
Identifiers: ClinVar variation 3690877 (VCV003690877.3).
Genomic context (GRCh38, chr7:55,174,760, plus strand): 5'-CTTCCTTCTCTCTCTGTCATAGGGACTCTGGATCCCAGAAGGTGAGAAAGTTAAAATTCC[C>A]GTCGCTATCAAGGAATTAAGAGAAGCAACATCTCCGAAAGCCAACAAGGAAATCCTCGAT-3'
Protein context (NP_005219.2, residues 731-751): WIPEGEKVKI[Pro741=]VAIKELREAT